The following is an entry in ClinVar:

NM_000540.3(RYR1):c.46-4G>A

Gene: RYR1 (ryanodine receptor 1; plus strand). Cytogenetic location: 19q13.2.
Variant type: single nucleotide variant.
Coding change: c.46-4G>A on transcript NM_000540.3 (MANE Select); 4 bases into the intron before coding-DNA position 46, G replaced by A.
Molecular consequence: intron variant.
Genome position (GRCh38, 1-based): chr19:38,440,741, G>A. VCF-style: chr19-38440741-G-A. GRCh37 (hg19) VCF-style: chr19-38931381-G-A.
Other names: c.46-4G>A (NM_001042723.2).
Identifiers: ClinVar variation 699389 (VCV000699389.15), dbSNP rs201094741, ClinGen allele CA066333.

ClinVar aggregate classification (germline): Conflicting classifications of pathogenicity. Review status: criteria provided, conflicting classifications (1 of 4 stars). 6 submissions from 6 submitters: Uncertain significance (2); Likely benign (3). 1 of the submissions does not count toward it. Last evaluated 2026-01-24.

Conditions:
Central core myopathy (CMYO1A). Also called: CONGENITAL MYOPATHY 1A, AUTOSOMAL DOMINANT, WITH SUSCEPTIBILITY TO MALIGNANT HYPERTHERMIA; Central core disease; Myopathy, central fibrillar. Identifiers: Orphanet 597, MedGen C5830701, MONDO:0007294, OMIM 117000.
Malignant hyperthermia, susceptibility to, 1 (MHS1). Also called: Anesthesia related hyperthermia; Malignant hyperpyrexia; Fulminating hyperpyrexia; Pharmacogenic myopathy; Malignant hyperthermia suceptibility 1; RYR1-Related Malignant Hyperthermia Susceptibility. Identifiers: Orphanet 423, MedGen C2930980, MONDO:0007783, OMIM 145600.
Congenital myopathy with fiber type disproportion. Also called: Congenital fiber-type disproportion myopathy; Congenital fiber-type disproportion. Identifiers: Orphanet 2020, MedGen C0546264, MONDO:0009711. Inheritance: all.
Congenital multicore myopathy with external ophthalmoplegia (CMYO1B). Also called: MULTIMINICORE DISEASE WITH EXTERNAL OPHTHALMOPLEGIA; Congenital myopathy 1B, autosomal recessive; Minicore myopathy; MULTICORE MYOPATHY; Minicore myopathy with external ophthalmoplegia. Identifiers: Orphanet 598, Orphanet 98905, MedGen C1850674, MONDO:0009712, OMIM 255320, HP:0003789.
King Denborough syndrome (KDS). Identifiers: MedGen C1840365, MONDO:0020485, OMIM 619542.
RYR1-related disorder. Also called: RYR1-related condition; RYR1-related disorders. Identifiers: MedGen CN239331.

Allele frequency attached by ClinVar (database versions not stated): TOPMed 0.00002.
gnomAD v4.1: 38 of 1,605,302 alleles (0.0024%); highest among the groups gnomAD compares: South Asian, 0.0055%; no homozygotes.

Submissions (6):

Labcorp Genetics (formerly Invitae), Labcorp
Classification: Likely benign for RYR1-related disorder. Last evaluated: 2026-01-24. Review status: criteria provided, single submitter. Criteria: Invitae Variant Classification Sherloc (09022015). Collection method: clinical testing. Allele origin: germline.

Revvity Omics, Revvity
Classification: Uncertain significance. Last evaluated: 2025-06-25. Review status: criteria provided, single submitter. Criteria: ACMG Guidelines, 2015. Collection method: clinical testing. Allele origin: germline.

All of Us Research Program, National Institutes of Health
Classification: Uncertain significance for Malignant hyperthermia, susceptibility to, 1. Last evaluated: 2023-11-30. Review status: criteria provided, single submitter. Criteria: ACMG Guidelines, 2015. Collection method: clinical testing. Allele origin: germline. Inheritance: Autosomal dominant inheritance. Observed: 3 variant alleles, 3 heterozygotes.
Comment: This study involves interpretation of variants in research participants for the purpose of population health screening. Participant phenotype was not available at the time of variant classification. Additional details can be found in publication PMID: 35346344, PMCID: PMC8962531

Color Diagnostics, LLC DBA Color Health
Classification: Likely benign for Malignant hyperthermia, susceptibility to, 1. Last evaluated: 2022-12-12. Review status: criteria provided, single submitter. Criteria: ACMG Guidelines, 2015. Collection method: clinical testing. Allele origin: germline.

Fulgent Genetics
Classification: Likely benign for Central core myopathy; Malignant hyperthermia, susceptibility to, 1; Congenital myopathy 4A, autosomal dominant; Congenital multicore myopathy with external ophthalmoplegia; King Denborough syndrome. Last evaluated: 2021-07-28. Review status: criteria provided, single submitter. Criteria: ACMG Guidelines, 2015. Collection method: clinical testing. Allele origin: unknown.

PreventionGenetics, part of Exact Sciences
Classification: Likely benign for RYR1-related condition. Last evaluated: 2022-07-05. Review status: no assertion criteria provided. Collection method: clinical testing. Allele origin: germline. Not counted in ClinVar's aggregate classification.
Comment: This variant is classified as likely benign based on ACMG/AMP sequence variant interpretation guidelines (Richards et al. 2015 PMID: 25741868, with internal and published modifications).